The following is an entry in ClinVar:

NM_015166.4(MLC1):c.714+2T>C

Gene: MLC1 (modulator of VRAC current 1; minus strand). Cytogenetic location: 22q13.33.
Variant type: single nucleotide variant.
Coding change: c.714+2T>C on transcript NM_015166.4 (MANE Select); the canonical splice donor site of the intron after coding-DNA position 714, T replaced by C.
Molecular consequence: splice donor variant.
Genome position (GRCh38, 1-based): chr22:50,074,214, A>G on the plus strand (T>C on the coding strand, the complement: MLC1 is on the minus strand). VCF-style: chr22-50074214-A-G. GRCh37 (hg19) VCF-style: chr22-50512643-A-G.
Other names: c.714+2T>C (NM_001376474.1, NM_001376475.1, NM_001376476.1 and 6 more transcripts); c.477+2T>C (NM_001376484.1); c.624+2T>C (NM_001376480.1); c.558+2T>C (NM_001376482.1, NM_001376483.1); c.612+2T>C (NM_001376481.1).
Identifiers: ClinVar variation 2834068 (VCV002834068.3), dbSNP rs1602022675, ClinGen allele CA412109076.
Genomic context (GRCh38, chr22:50,074,214, plus strand): 5'-CCACGCAGGATCTGAGCAGTGTGGCCCAGAGCGGCGGCGGGCGGGCCAGAGGGGTTACTC[A>G]CGGCCACTAGGATCCAAAAGAACGTCACTGAGAGGTGTGGGCCTGAAACTGAGTCATCCA-3'

ClinVar aggregate classification (germline): Likely pathogenic (1 of 4 stars; one submission).

Allele frequency attached by ClinVar (database versions not stated): gnomAD exomes below 0.00001.
gnomAD v4.1: 1 of 1,611,122 alleles (0.000062%); highest among the groups gnomAD compares: Non-Finnish European, 0.000085%; no homozygotes.

Submission:

Labcorp Genetics (formerly Invitae), Labcorp
Classification: Likely pathogenic. Last evaluated: 2023-02-03. Review status: criteria provided, single submitter. Criteria: Invitae Variant Classification Sherloc (09022015). Collection method: clinical testing. Allele origin: germline.
Comment: This variant is not present in population databases (gnomAD no frequency). This sequence change affects a donor splice site in intron 8 of the MLC1 gene. It is expected to disrupt RNA splicing. Variants that disrupt the donor or acceptor splice site typically lead to a loss of protein function (PMID: 16199547), and loss-of-function variants in MLC1 are known to be pathogenic (PMID: 11254442, 16470554, 24824219). In summary, the currently available evidence indicates that the variant is pathogenic, but additional data are needed to prove that conclusively. Therefore, this variant has been classified as Likely Pathogenic. Algorithms developed to predict the effect of sequence changes on RNA splicing suggest that this variant may disrupt the consensus splice site. This variant has not been reported in the literature in individuals affected with MLC1-related conditions.

Literature cited by the submitters: PubMed 16199547; PubMed 11254442; PubMed 16470554; PubMed 24824219.